The following is an entry in ClinVar:

NM_177438.3(DICER1):c.5333del (p.Glu1778fs)

Gene: DICER1 (dicer 1, ribonuclease III; minus strand). Cytogenetic location: 14q32.13.
Variant type: Deletion.
Coding change: c.5333del on transcript NM_177438.3 (MANE Select); coding-DNA position 5333, one base deleted (A; older notation c.5333delA).
Protein change: p.Glu1778fs; shifts the reading frame from glutamic acid 1778.
Molecular consequence: frameshift variant.
Genome position (GRCh38, 1-based): chr14:95,093,919, T deleted on the plus strand (A on the coding strand, the reverse complement: DICER1 is on the minus strand). VCF-style (leftmost placement, unchanged base first): chr14-95093918-CT-C. GRCh37 (hg19) VCF-style: chr14-95560255-CT-C.
Other names: c.5333del, p.Glu1778fs (NM_001195573.1, NM_001271282.3, NM_001291628.2 and 1 more transcripts); short protein forms E1778fs.
Identifiers: ClinVar variation 933039 (VCV000933039.3), dbSNP rs1890068894, ClinGen allele CA1139663690.
Genomic context (GRCh38, chr14:95,093,918, plus strand): 5'-TTTTTCAACATCGTTTTGAACAGCACTAACCTCAGAATCCATTCCTTGCATTTCATTCTT[CT>C]CAAGCTGAAACTGCACAAAGTCATCAATGACATGGAAGAGCTCAGGAGAGACAGCTTTGA-3'

ClinVar aggregate classification (germline): Pathogenic (1 of 4 stars; one submission).

Conditions:
DICER1-related tumor predisposition. Also called: DICER1-related pleuropulmonary blastoma cancer predisposition syndrome; DICER1 syndrome. Identifiers: Orphanet 284343, MedGen C3839822, MONDO:0100216.

Submission:

Foulkes Cancer Genetics LDI, Lady Davis Institute for Medical Research
Classification: Pathogenic for Pleuropulmonary blastoma. Last evaluated: 2019-07-01. Review status: criteria provided, single submitter. Criteria: ACMG Guidelines, 2015. Collection method: curation. Allele origin: germline. Affected: yes. Observed: 1 variant allele.
Comment: ACMG criteria met: PVS1, PM2, PP4

Literature cited by the submitters: PubMed 24481001.